The following is an entry in ClinVar:

NM_001130987.2(DYSF):c.4585A>G (p.Lys1529Glu)

Gene: DYSF (dysferlin; plus strand). Cytogenetic location: 2p13.2.
Variant type: single nucleotide variant.
Coding change: c.4585A>G on transcript NM_001130987.2 (MANE Select); coding-DNA position 4585, A replaced by G.
Protein change: p.Lys1529Glu; replaces lysine 1529 with glutamic acid.
Molecular consequence: missense variant.
Genome position (GRCh38, 1-based): chr2:71,644,022, A>G. VCF-style: chr2-71644022-A-G. GRCh37 (hg19) VCF-style: chr2-71871152-A-G.
Other names: c.4471A>G, p.Lys1491Glu (NM_001130455.2); c.4426A>G, p.Lys1476Glu (NM_001130976.2); c.4489A>G, p.Lys1497Glu (NM_001130977.2); c.4531A>G, p.Lys1511Glu (NM_001130978.2); c.4561A>G, p.Lys1521Glu (NM_001130979.2); c.4519A>G, p.Lys1507Glu (NM_001130980.2); c.4582A>G, p.Lys1528Glu (NM_001130981.2); c.4564A>G, p.Lys1522Glu (NM_001130982.2); and 5 more; short protein forms K1498E, K1508E, K1521E, K1522E, K1477E, K1497E, K1512E, K1491E.
Identifiers: ClinVar variation 2058899 (VCV002058899.4), dbSNP rs2546398537, ClinGen allele CA347217967.

ClinVar aggregate classification (germline): Uncertain significance (1 of 4 stars; one submission).

Conditions:
Neuromuscular disease caused by qualitative or quantitative defects of dysferlin. Also called: Dysferlinopathy; Qualitative or quantitative defects of dysferlin. Identifiers: Orphanet 207073, MedGen C2931687, MONDO:0016145.

Allele frequency attached by ClinVar (database versions not stated): gnomAD exomes below 0.00001.
gnomAD v4.1: 1 of 1,612,706 alleles (0.000062%); highest among the groups gnomAD compares: South Asian, 0.0011%; no homozygotes.

Submission:

Labcorp Genetics (formerly Invitae), Labcorp
Classification: Uncertain significance for Neuromuscular disease caused by qualitative or quantitative defects of dysferlin. Last evaluated: 2022-10-17. Review status: criteria provided, single submitter. Criteria: Invitae Variant Classification Sherloc (09022015). Collection method: clinical testing. Allele origin: germline.
Comment: In summary, the available evidence is currently insufficient to determine the role of this variant in disease. Therefore, it has been classified as a Variant of Uncertain Significance. Advanced modeling of protein sequence and biophysical properties (such as structural, functional, and spatial information, amino acid conservation, physicochemical variation, residue mobility, and thermodynamic stability) performed at Invitae indicates that this missense variant is not expected to disrupt DYSF protein function. This variant has not been reported in the literature in individuals affected with DYSF-related conditions. This variant is not present in population databases (gnomAD no frequency). This sequence change replaces lysine, which is basic and polar, with glutamic acid, which is acidic and polar, at codon 1490 of the DYSF protein (p.Lys1490Glu).